The following is an entry in ClinVar:

NM_000059.4(BRCA2):c.2803G>A (p.Asp935Asn)

Gene: BRCA2 (BRCA2 DNA repair associated; plus strand). Cytogenetic location: 13q13.1.
Variant type: single nucleotide variant.
Coding change: c.2803G>A on transcript NM_000059.4 (MANE Select); coding-DNA position 2803, G replaced by A.
Protein change: p.Asp935Asn; replaces aspartic acid 935 with asparagine.
Molecular consequence: missense variant.
Genome position (GRCh38, 1-based): chr13:32,337,158, G>A. VCF-style: chr13-32337158-G-A. GRCh37 (hg19) VCF-style: chr13-32911295-G-A.
Other names: p.D935N:GAT>AAT; short protein forms D935N.
Identifiers: ClinVar variation 51349 (VCV000051349.121), dbSNP rs28897716, ClinGen allele CA016407.
Genomic context (GRCh38, chr13:32,337,158, plus strand): 5'-ACTTGTGTAAACGAACCCATTTTCAAGAACTCTACCATGGTTTTATATGGAGACACAGGT[G>A]ATAAACAAGCAACCCAAGTGTCAATTAAAAAAGATTTGGTTTATGTTCTTGCAGAGGAGA-3'
Protein context (NP_000050.3, residues 925-945): STMVLYGDTG[Asp935Asn]KQATQVSIKK

ClinVar aggregate classification (germline): Benign/Likely benign. Review status: criteria provided, multiple submitters, no conflicts (2 of 4 stars). 36 submissions from 35 submitters: Benign (11); Likely benign (16). 9 of the submissions do not count toward it. Last evaluated 2026-07-01.

Conditions:
BRCA2-related cancer predisposition. Identifiers: MedGen CN377758, MONDO:0700269.
Hereditary cancer-predisposing syndrome. Also called: Neoplastic Syndromes, Hereditary; Tumor predisposition; Hereditary Cancer Syndrome; Hereditary neoplastic syndrome. Identifiers: Orphanet 140162, MedGen C0027672, MeSH D009386, MONDO:0015356.
Glioma susceptibility 3 (GLM3). Also called: Glioblastoma 3. Identifiers: Orphanet 182067, Orphanet 360, MedGen C2751641, MONDO:0013093, OMIM 613029.
Wilms tumor 1 (WT1). Also called: Wilms tumor, somatic. Identifiers: Orphanet 654, MedGen CN033288, MONDO:0008679, OMIM 194070.
Familial cancer of breast. Also called: Hereditary breast cancer; BREAST CANCER, FAMILIAL; hereditary breast carcinoma. Identifiers: Orphanet 227535, MedGen C0346153, MONDO:0016419, OMIM 114480. Disease mechanism: loss of function.
Prostate cancer. Also called: Malignant tumor of prostate. Identifiers: Orphanet 1331, MedGen C0376358, MONDO:0008315, HP:0012125.
Breast-ovarian cancer, familial, susceptibility to, 2 (BROVCA2). Also called: BRCA2 Hereditary Breast and Ovarian Cancer. Identifiers: Orphanet 145, MedGen C2675520, MONDO:0012933, OMIM 612555. Disease mechanism: loss of function.
Fanconi anemia complementation group D1. Also called: BRCA2-Related Fanconi Anemia. Identifiers: Orphanet 319462, MedGen C1838457, MONDO:0011584, OMIM 605724.
Medulloblastoma (MDB). Also called: Medulloblastoma, somatic; MEDULLOBLASTOMA PREDISPOSITION SYNDROME. Identifiers: Orphanet 616, MedGen C0025149, MeSH D008527, MONDO:0007959, OMIM 155255, HP:0002885.
Pancreatic cancer, susceptibility to, 2. Identifiers: Orphanet 1333, MedGen C3150546, MONDO:0013235, OMIM 613347.
Breast and/or ovarian cancer. Identifiers: MedGen CN221562.
Hereditary breast ovarian cancer syndrome. Also called: Hereditary breast and/or ovarian cancer syndrome; Hereditary breast and ovarian cancer syndrome; Hereditary breast and ovarian cancer; Hereditary breast and ovarian cancer syndrome (HBOC); Breast and ovarian cancer; BRCA1- and BRCA2-Associated Hereditary Breast and Ovarian Cancer. Identifiers: Orphanet 145, MedGen C0677776, MeSH D061325, MONDO:0003582. Disease mechanism: loss of function.
Malignant tumor of breast. Also called: Malignant breast neoplasm; Cancer breast. Identifiers: MedGen C0006142, MONDO:0007254. Disease mechanism: loss of function.

Allele frequency attached by ClinVar (database versions not stated): 1000 Genomes Project 30x 0.00031; 1000 Genomes Project 0.00040; gnomAD 0.00054; TOPMed 0.00065; ESP Exome Variant Server 0.00069.
gnomAD v4.1: 1,865 of 1,613,826 alleles (0.12%); highest among the groups gnomAD compares: Non-Finnish European, 0.15%; 4 homozygotes.

Submissions 1 to 21 of 36:

CeGaT Center for Human Genetics Tuebingen
Classification: Likely benign. Last evaluated: 2026-07-01. Review status: criteria provided, single submitter. Criteria: CeGaT Center For Human Genetics Tuebingen Variant Classification Criteria Version 2. Collection method: clinical testing. Allele origin: germline. Affected: yes. Observed: 18 variant alleles.
Comment: BRCA2: BP1, BP4

Labcorp Genetics (formerly Invitae), Labcorp
Classification: Benign for Hereditary breast ovarian cancer syndrome. Last evaluated: 2026-02-03. Review status: criteria provided, single submitter. Criteria: Invitae Variant Classification Sherloc (09022015). Collection method: clinical testing. Allele origin: germline.

Center for Genomic Medicine, Rigshospitalet, Copenhagen University Hospital
Classification: Benign. Last evaluated: 2025-03-04. Review status: criteria provided, single submitter. Criteria: ACMG Guidelines, 2015. Collection method: clinical testing. Allele origin: germline.

Mayo Clinic Laboratories, Mayo Clinic
Classification: Benign. Last evaluated: 2025-02-21. Review status: criteria provided, single submitter. Criteria: ACMG Guidelines, 2015. Collection method: clinical testing. Allele origin: germline. Observed: 17 variant alleles.
Comment: BS1, BP1_strong

Laboratory of Genetics, Children's Clinical University Hospital Latvia
Classification: Likely benign. Last evaluated: 2025-02-16. Review status: criteria provided, single submitter. Criteria: ACMG Guidelines, 2015. Collection method: clinical testing. Allele origin: germline. Affected: yes.

ARUP Laboratories, Molecular Genetics and Genomics, ARUP Laboratories
Classification: Benign. Last evaluated: 2024-11-22. Review status: criteria provided, single submitter. Criteria: ARUP Molecular Germline Variant Investigation Process 2024. Collection method: clinical testing. Allele origin: germline.

Blueprint Genetics
Classification: Likely benign. Last evaluated: 2024-11-14. Review status: criteria provided, single submitter. Criteria: ACMG Guidelines, 2015. Collection method: clinical testing. Allele origin: germline.

All of Us Research Program, National Institutes of Health
Classification: Likely benign for BRCA2-related cancer predisposition. Last evaluated: 2024-09-27. Review status: criteria provided, single submitter. Criteria: ACMG Guidelines, 2015. Collection method: clinical testing. Allele origin: germline. Inheritance: Autosomal dominant inheritance. Observed: 280 variant alleles, 280 heterozygotes.
Comment: This study involves interpretation of variants in research participants for the purpose of population health screening. Participant phenotype was not available at the time of variant classification. Additional details can be found in publication PMID: 35346344, PMCID: PMC8962531

Institute for Biomarker Research, Medical Diagnostic Laboratories, L.L.C.
Classification: Benign for Hereditary breast ovarian cancer syndrome. Last evaluated: 2023-11-21. Review status: criteria provided, single submitter. Criteria: ACMG Guidelines, 2015. Collection method: clinical testing. Allele origin: germline.

CHEO Genetics Diagnostic Laboratory, Children's Hospital of Eastern Ontario
Classification: Likely benign for Breast and/or ovarian cancer. Last evaluated: 2023-02-07. Review status: criteria provided, single submitter. Criteria: ACMG Guidelines, 2015. Collection method: clinical testing. Allele origin: germline.

Fulgent Genetics
Classification: Likely benign for Familial cancer of breast; Medulloblastoma; Familial prostate cancer; Wilms tumor 1; Fanconi anemia complementation group D1; Breast-ovarian cancer, familial, susceptibility to, 2; Glioma susceptibility 3; Pancreatic cancer, susceptibility to, 2. Last evaluated: 2022-03-04. Review status: criteria provided, single submitter. Criteria: ACMG Guidelines, 2015. Collection method: clinical testing. Allele origin: unknown.

Genetic Services Laboratory, University of Chicago
Classification: Likely benign. Last evaluated: 2021-12-16. Review status: criteria provided, single submitter. Criteria: ACMG Guidelines, 2015. Collection method: clinical testing. Allele origin: germline. Affected: no.

Genetics Program, Instituto Nacional de Cancer
Classification: Likely benign for Hereditary breast ovarian cancer syndrome. Last evaluated: 2021-11-01. Review status: criteria provided, single submitter. Criteria: ACMG Guidelines, 2015. Collection method: research. Allele origin: germline. Affected: yes.

Sema4
Classification: Benign for Hereditary cancer-predisposing syndrome. Last evaluated: 2021-07-02. Review status: criteria provided, single submitter. Criteria: Sema4 Curation Guidelines. Collection method: curation. Allele origin: germline.

Genetics and Molecular Pathology, SA Pathology
Classification: Benign for Breast-ovarian cancer, familial, susceptibility to, 2. Last evaluated: 2020-02-18. Review status: criteria provided, single submitter. Criteria: ACMG Guidelines, 2015. Collection method: clinical testing. Allele origin: germline. Inheritance: Autosomal dominant inheritance. Affected: yes.

Mendelics
Classification: Likely benign for Breast-ovarian cancer, familial, susceptibility to, 2. Last evaluated: 2019-05-28. Review status: criteria provided, single submitter. Criteria: Mendelics Assertion Criteria 2017. Collection method: clinical testing. Allele origin: unknown.

Illumina Laboratory Services, Illumina
Classification: Likely benign for Breast-ovarian cancer, familial, susceptibility to, 2. Last evaluated: 2018-10-17. Review status: criteria provided, single submitter. Criteria: ICSL Variant Classification Criteria 13 December 2019. Collection method: clinical testing. Allele origin: germline.
Comment: This variant was observed as part of a predisposition screen in an ostensibly healthy population. A literature search was performed for the gene, cDNA change, and amino acid change (where applicable). Publications were found based on this search. The evidence from the literature, in combination with allele frequency data from public databases where available, was sufficient to determine this variant is unlikely to cause disease. Therefore, this variant is classified as likely benign.

Illumina Laboratory Services, Illumina
Classification: Likely benign for Fanconi anemia complementation group D1. Last evaluated: 2018-10-17. Review status: criteria provided, single submitter. Criteria: ICSL Variant Classification Criteria 13 December 2019. Collection method: clinical testing. Allele origin: germline.
Comment: the same text as in the submission from Illumina Laboratory Services, Illumina above.

PreventionGenetics, part of Exact Sciences
Classification: Likely benign. Last evaluated: 2017-08-15. Review status: criteria provided, single submitter. Criteria: ACMG Guidelines, 2015. Collection method: clinical testing. Allele origin: germline.

Laboratory for Molecular Medicine, Mass General Brigham Personalized Medicine
Classification: Likely benign. Last evaluated: 2016-03-28. Review status: criteria provided, single submitter. Criteria: LMM Criteria. Collection method: clinical testing. Allele origin: germline.
Comment: Variant identified in a genome or exome case(s) and assessed due to predicted null impact of the variant or pathogenic assertions in the literature or databases. Disclaimer: This variant has not undergone full assessment. The following are preliminary notes: Multiple publications classify as VUS/not pathogenic; ExAC: 0.1% (57/66390) European chromosomes

Clinical Genetics DNA and cytogenetics Diagnostics Lab, Erasmus MC, Erasmus Medical Center
Classification: Benign for Breast-ovarian cancer, familial, susceptibility to, 2. Last evaluated: 2015-09-21. Review status: criteria provided, single submitter. Criteria: ACGS Guidelines, 2013. Collection method: clinical testing. Allele origin: germline. Affected: yes. Study: VKGL Data-share Consensus.